The following is an entry in ClinVar:

ClinVar aggregate classification (germline): Uncertain significance (0 of 4 stars; one submission).

Conditions:
ATP7B-related disorder. Also called: ATP7B-related condition.

gnomAD v4.1: 3 of 1,614,178 alleles (0.00019%); highest among the groups gnomAD compares: South Asian, 0.0033%; no homozygotes.

Submission:

PreventionGenetics, part of Exact Sciences
Classification: Uncertain significance for ATP7B-related condition. Last evaluated: 2024-06-03. Review status: no assertion criteria provided. Collection method: clinical testing. Allele origin: germline.
Comment: The ATP7B c.92C>T variant is predicted to result in the amino acid substitution p.Pro31Leu. To our knowledge, this variant has not been reported in the literature. This variant is reported in 0.0065% of alleles in individuals of South Asian descent in gnomAD. At this time, the clinical significance of this variant is uncertain due to the absence of conclusive functional and genetic evidence.

NM_000053.4(ATP7B):c.92C>T (p.Pro31Leu)

Gene: ATP7B (ATPase copper transporting beta; minus strand). Cytogenetic location: 13q14.3.
Variant type: single nucleotide variant.
Coding change: c.92C>T on transcript NM_000053.4 (MANE Select); coding-DNA position 92, C replaced by T.
Protein change: p.Pro31Leu; replaces proline 31 with leucine.
Molecular consequence: missense variant. On other transcripts: 5 prime UTR variant (7).
Genome position (GRCh38, 1-based): chr13:51,975,128, G>A on the plus strand (C>T on the coding strand, the complement: ATP7B is on the minus strand). VCF-style: chr13-51975128-G-A. GRCh37 (hg19) VCF-style: chr13-52549264-G-A.
Other names: c.92C>T, p.Pro31Leu (NM_001005918.3, NM_001243182.2, NM_001330578.2 and 30 more transcripts); c.-5C>T (NM_001406517.1, NM_001406518.1, NM_001406530.1 and 4 more transcripts); short protein forms P31L.
Identifiers: ClinVar variation 3347242 (VCV003347242.1).